The following is an entry in ClinVar:

ClinVar aggregate classification (germline): Uncertain significance (1 of 4 stars; one submission).

Conditions:
Cardiovascular phenotype. Identifiers: MedGen CN230736.

Allele frequency attached by ClinVar (database versions not stated): gnomAD exomes below 0.00001; gnomAD 0.00001.
gnomAD v4.1: 2 of 1,545,532 alleles (0.00013%); highest among the groups gnomAD compares: African/African-American, 0.0014%; no homozygotes.

Submission:

Ambry Genetics
Classification: Uncertain significance for Cardiovascular phenotype. Last evaluated: 2022-07-27. Review status: criteria provided, single submitter. Criteria: Ambry Variant Classification Scheme 2023. Collection method: clinical testing. Allele origin: germline.
Comment: The p.S486F variant (also known as c.1457C>T), located in coding exon 23 of the TRDN gene, results from a C to T substitution at nucleotide position 1457. The serine at codon 486 is replaced by phenylalanine, an amino acid with highly dissimilar properties. This amino acid position is conserved. In addition, this alteration is predicted to be tolerated by in silico analysis. Since supporting evidence is limited at this time, the clinical significance of this alteration remains unclear.

NM_006073.4(TRDN):c.1457C>T (p.Ser486Phe)

Gene: TRDN (triadin; minus strand). Cytogenetic location: 6q22.31.
Variant type: single nucleotide variant.
Coding change: c.1457C>T on transcript NM_006073.4 (MANE Select); coding-DNA position 1457, C replaced by T.
Protein change: p.Ser486Phe; replaces serine 486 with phenylalanine.
Molecular consequence: missense variant.
Genome position (GRCh38, 1-based): chr6:123,331,893, G>A on the plus strand (C>T on the coding strand, the complement: TRDN is on the minus strand). VCF-style: chr6-123331893-G-A. GRCh37 (hg19) VCF-style: chr6-123653038-G-A.
Other names: short protein forms S486F.
Identifiers: ClinVar variation 1773076 (VCV001773076.2), dbSNP rs1272823526, ClinGen allele CA365563892.